The following is an entry in ClinVar:

ClinVar aggregate classification (germline): Uncertain significance (1 of 4 stars; one submission).

Allele frequency attached by ClinVar (database versions not stated): gnomAD exomes 0.00001.
gnomAD v4.1: 3 of 1,614,108 alleles (0.00019%); highest among the groups gnomAD compares: Admixed American, 0.005%; no homozygotes.

Submission:

Labcorp Genetics (formerly Invitae), Labcorp
Classification: Uncertain significance. Last evaluated: 2022-02-25. Review status: criteria provided, single submitter. Criteria: Invitae Variant Classification Sherloc (09022015). Collection method: clinical testing. Allele origin: germline.
Comment: This sequence change replaces arginine, which is basic and polar, with serine, which is neutral and polar, at codon 24 of the FBXL4 protein (p.Arg24Ser). This variant is present in population databases (no rsID available, gnomAD 0.009%). This variant has not been reported in the literature in individuals affected with FBXL4-related conditions. Advanced modeling of protein sequence and biophysical properties (such as structural, functional, and spatial information, amino acid conservation, physicochemical variation, residue mobility, and thermodynamic stability) performed at Invitae indicates that this missense variant is expected to disrupt FBXL4 protein function. In summary, the available evidence is currently insufficient to determine the role of this variant in disease. Therefore, it has been classified as a Variant of Uncertain Significance.

NM_001278716.2(FBXL4):c.72G>T (p.Arg24Ser)

Gene: FBXL4 (F-box and leucine rich repeat protein 4; minus strand). Cytogenetic location: 6q16.2.
Variant type: single nucleotide variant.
Coding change: c.72G>T on transcript NM_001278716.2 (MANE Select); coding-DNA position 72, G replaced by T.
Protein change: p.Arg24Ser; replaces arginine 24 with serine.
Molecular consequence: missense variant. On other transcripts: non-coding transcript variant (2).
Genome position (GRCh38, 1-based): chr6:98,926,917, C>A on the plus strand (G>T on the coding strand, the complement: FBXL4 is on the minus strand). VCF-style: chr6-98926917-C-A. GRCh37 (hg19) VCF-style: chr6-99374793-C-A.
Other names: c.72G>T, p.Arg24Ser (NM_012160.5); short protein forms R24S.
Identifiers: ClinVar variation 1934072 (VCV001934072.2), dbSNP rs1306522317, ClinGen allele CA16021246.